The following is an entry in ClinVar:

ClinVar aggregate classification (germline): Uncertain significance. Review status: criteria provided, multiple submitters, no conflicts (2 of 4 stars). 2 submissions from 2 submitters: Uncertain significance (2). Last evaluated 2026-01-06.

Allele frequency attached by ClinVar (database versions not stated): gnomAD exomes 0.00003; ExAC 0.00004; gnomAD 0.00004; TOPMed 0.00007.

Submissions (2):

Labcorp Genetics (formerly Invitae), Labcorp
Classification: Uncertain significance. Last evaluated: 2026-01-06. Review status: criteria provided, single submitter. Criteria: Invitae Variant Classification Sherloc (09022015). Collection method: clinical testing. Allele origin: germline.
Comment: This sequence change replaces isoleucine, which is neutral and non-polar, with threonine, which is neutral and polar, at codon 286 of the KLHDC8B protein (p.Ile286Thr). This variant is present in population databases (rs762395605, gnomAD 0.007%). This variant has not been reported in the literature in individuals affected with KLHDC8B-related conditions. ClinVar contains an entry for this variant (Variation ID: 2140207). An algorithm developed to predict the effect of missense changes on protein structure and function (PolyPhen-2) suggests that this variant is likely to be tolerated. In summary, the available evidence is currently insufficient to determine the role of this variant in disease. Therefore, it has been classified as a Variant of Uncertain Significance.

Ambry Genetics
Classification: Uncertain significance. Last evaluated: 2025-08-01. Review status: criteria provided, single submitter. Criteria: Ambry Variant Classification Scheme 2023. Collection method: clinical testing. Allele origin: germline.

NM_173546.3(KLHDC8B):c.857T>C (p.Ile286Thr)

Gene: KLHDC8B (kelch domain containing 8B; plus strand). Cytogenetic location: 3p21.31.
Variant type: single nucleotide variant.
Coding change: c.857T>C on transcript NM_173546.3 (MANE Select); coding-DNA position 857, T replaced by C.
Protein change: p.Ile286Thr; replaces isoleucine 286 with threonine.
Molecular consequence: missense variant.
Genome position (GRCh38, 1-based): chr3:49,175,152, T>C. VCF-style: chr3-49175152-T-C. GRCh37 (hg19) VCF-style: chr3-49212585-T-C.
Other names: c.857T>C (NM_173546.2); short protein forms I286T.
Identifiers: ClinVar variation 2140207 (VCV002140207.5), dbSNP rs762395605, ClinGen allele CA2395590.